The following is an entry in ClinVar:

NM_014285.7(EXOSC2):c.13A>C (p.Met5Leu)

Gene: EXOSC2 (exosome component 2; plus strand). Cytogenetic location: 9q34.12.
Variant type: single nucleotide variant.
Coding change: c.13A>C on transcript NM_014285.7 (MANE Select); coding-DNA position 13, A replaced by C.
Protein change: p.Met5Leu; replaces methionine 5 with leucine.
Molecular consequence: missense variant. On other transcripts: non-coding transcript variant (1).
Genome position (GRCh38, 1-based): chr9:130,693,804, A>C. VCF-style: chr9-130693804-A-C. GRCh37 (hg19) VCF-style: chr9-133569191-A-C.
Other names: c.13A>C, p.Met5Leu (NM_001282708.1, NM_001282709.1); c.13A>C (NM_014285.5); short protein forms M5L.
Identifiers: ClinVar variation 1062814 (VCV001062814.8), dbSNP rs763460421, ClinGen allele CA5284705.

ClinVar aggregate classification (germline): Uncertain significance. Review status: criteria provided, multiple submitters, no conflicts (2 of 4 stars). 2 submissions from 2 submitters: Uncertain significance (2). Last evaluated 2025-12-11.

Allele frequency attached by ClinVar (database versions not stated): gnomAD 0.00001; ExAC 0.00002; gnomAD exomes 0.00003.
gnomAD v4.1: 7 of 1,607,076 alleles (0.00044%); highest among the groups gnomAD compares: Admixed American, 0.01%; no homozygotes.

Submissions (2):

Ambry Genetics
Classification: Uncertain significance. Last evaluated: 2025-12-11. Review status: criteria provided, single submitter. Criteria: Ambry Variant Classification Scheme 2023. Collection method: clinical testing. Allele origin: germline.

Labcorp Genetics (formerly Invitae), Labcorp
Classification: Uncertain significance. Last evaluated: 2022-07-05. Review status: criteria provided, single submitter. Criteria: Invitae Variant Classification Sherloc (09022015). Collection method: clinical testing. Allele origin: germline.
Comment: In summary, the available evidence is currently insufficient to determine the role of this variant in disease. Therefore, it has been classified as a Variant of Uncertain Significance. Algorithms developed to predict the effect of missense changes on protein structure and function (SIFT, PolyPhen-2, Align-GVGD) all suggest that this variant is likely to be tolerated. ClinVar contains an entry for this variant (Variation ID: 1062814). This variant has not been reported in the literature in individuals affected with EXOSC2-related conditions. This variant is present in population databases (rs763460421, gnomAD 0.02%). This sequence change replaces methionine, which is neutral and non-polar, with leucine, which is neutral and non-polar, at codon 5 of the EXOSC2 protein (p.Met5Leu).